The following is an entry in ClinVar:

ClinVar aggregate classification (germline): Uncertain significance (1 of 4 stars; one submission).

Submission:

Dasa
Classification: Uncertain significance. Last evaluated: 2025-01-25. Review status: criteria provided, single submitter. Criteria: DASA Assertion Criteria. Collection method: clinical testing. Allele origin: germline.
Comment: NM_015047.3(EMC1):c.1890delinsGACT (p.Pro630_Val631insThr) is an in-frame insertion/deletion-insertion predicted to alter the protein sequence without shifting the reading frame. Published studies describe this variant in association with related phenotype (PMID: 35234901; PMID: 26942288). Also, this variant is absent from population databases. The currently available literature and clinical evidence are not sufficient to establish a definitive association between this variant and the reported condition. Therefore, this variant is classified as a variant of uncertain significance.

Literature cited by the submitters: PubMed 35234901; PubMed 26942288.

NM_015047.3(EMC1):c.1890delinsGACT (p.Pro630_Val631insThr)

Genes: EMC1 (ER membrane protein complex subunit 1; minus strand), EMC1-AS1 (EMC1 antisense RNA 1; plus strand). Cytogenetic location: 1p36.13.
Variant type: Indel.
Coding change: c.1890delinsGACT on transcript NM_015047.3 (MANE Select); coding-DNA position 1890, A replaced by GACT.
Protein change: p.Pro630_Val631insThr.
Molecular consequence: inframe insertion.
Genome position (GRCh38, 1-based): chr1:19,231,315, T replaced by AGTC on the plus strand (A replaced by GACT on the coding strand, the reverse complement: EMC1 is on the minus strand). VCF-style: chr1-19231315-T-AGTC. GRCh37 (hg19) VCF-style: chr1-19557809-T-AGTC.
Other names: c.1887delinsGACT, p.Pro629_Val630insThr (NM_001271427.2, NM_001271428.2); c.1824delinsGACT, p.Pro608_Val609insThr (NM_001271429.2); c.1899delinsGACT, p.Pro633_Val634insThr (NM_001375820.1); c.1896delinsGACT, p.Pro632_Val633insThr (NM_001375821.1).
Identifiers: ClinVar variation 4886318 (VCV004886318.2).